The following is an entry in ClinVar:

ClinVar aggregate classification (germline): Uncertain significance. Review status: criteria provided, multiple submitters, no conflicts (2 of 4 stars). 3 submissions from 3 submitters: Uncertain significance (2). 1 of the submissions does not count toward it. Last evaluated 2025-11-19.

Conditions:
Familial focal epilepsy with variable foci (FPEVF). Identifiers: Orphanet 98820, MedGen C1858477, MONDO:0020310.
Inborn genetic diseases. Identifiers: MedGen C0950123, MeSH D030342.
Epilepsy, familial focal, with variable foci 1 (FFEVF1). Also called: DEPDC5-Related Epilepsy. Identifiers: MedGen C4551983, MONDO:0024556, OMIM 604364.

gnomAD v4.1: 2 of 1,610,052 alleles (0.00012%); highest among the groups gnomAD compares: Admixed American, 0.0017%; no homozygotes.

Submissions (3):

Ambry Genetics
Classification: Uncertain significance for Inborn genetic diseases. Last evaluated: 2025-11-19. Review status: criteria provided, single submitter. Criteria: Ambry Variant Classification Scheme 2023. Collection method: clinical testing. Allele origin: germline.

Labcorp Genetics (formerly Invitae), Labcorp
Classification: Uncertain significance for Familial focal epilepsy with variable foci. Last evaluated: 2022-12-13. Review status: criteria provided, single submitter. Criteria: Invitae Variant Classification Sherloc (09022015). Collection method: clinical testing. Allele origin: germline.
Comment: This sequence change replaces arginine, which is basic and polar, with glycine, which is neutral and non-polar, at codon 1087 of the DEPDC5 protein (p.Arg1087Gly). This variant is present in population databases (no rsID available, gnomAD 0.003%). This variant has not been reported in the literature in individuals affected with DEPDC5-related conditions. ClinVar contains an entry for this variant (Variation ID: 977884). Algorithms developed to predict the effect of missense changes on protein structure and function are either unavailable or do not agree on the potential impact of this missense change (SIFT: "Deleterious"; PolyPhen-2: "Not Available"; Align-GVGD: "Class C0"). In summary, the available evidence is currently insufficient to determine the role of this variant in disease. Therefore, it has been classified as a Variant of Uncertain Significance.

Service de Génétique Moléculaire, Hôpital Robert Debré
Classification: Likely benign for Epilepsy, familial focal, with variable foci 1. Review status: no assertion criteria provided. Collection method: clinical testing. Allele origin: unknown. Affected: yes. Not counted in ClinVar's aggregate classification.

NM_001242896.3(DEPDC5):c.3259C>G (p.Arg1087Gly)

Gene: DEPDC5 (DEP domain containing 5, GATOR1 subcomplex subunit; plus strand). Cytogenetic location: 22q12.3.
Variant type: single nucleotide variant.
Coding change: c.3259C>G on transcript NM_001242896.3 (MANE Select); coding-DNA position 3259, C replaced by G.
Protein change: p.Arg1087Gly; replaces arginine 1087 with glycine.
Molecular consequence: missense variant. On other transcripts: non-coding transcript variant (5).
Genome position (GRCh38, 1-based): chr22:31,857,548, C>G. VCF-style: chr22-31857548-C-G. GRCh37 (hg19) VCF-style: chr22-32253534-C-G.
Other names: c.3232C>G, p.Arg1078Gly (NM_001136029.4, NM_001369903.1, NM_014662.6); c.3025C>G, p.Arg1009Gly (NM_001242897.2, NM_001363854.2, NM_001364319.2); c.3259C>G, p.Arg1087Gly (NM_001363852.2, NM_001364318.2, NM_001364320.2); c.3175C>G, p.Arg1059Gly (NM_001369901.1, NM_001369902.1); short protein forms R1009G, R1059G, R1078G, R1087G.
Identifiers: ClinVar variation 977884 (VCV000977884.8), dbSNP rs587777458, ClinGen allele CA411293894.